The following is an entry in ClinVar:

NM_001243177.4(ALDOA):c.591T>C (p.Ala197=)

Genes: ALDOA (aldolase, fructose-bisphosphate A; plus strand), LOC112694756 (uncharaterized LOC112694756; plus strand). Cytogenetic location: 16p11.2.
Variant type: single nucleotide variant.
Coding change: c.591T>C on transcript NM_001243177.4 (MANE Select); coding-DNA position 591, T replaced by C.
Protein change: p.Ala197=; no amino-acid change (alanine 197 retained).
Molecular consequence: synonymous variant. On other transcripts: 3 prime UTR variant (3).
Genome position (GRCh38, 1-based): chr16:30,068,867, T>C. VCF-style: chr16-30068867-T-C. GRCh37 (hg19) VCF-style: chr16-30080188-T-C.
Other names: c.*938T>C (NM_001365304.2, NM_001365305.2, NM_001365307.2); c.429T>C, p.Ala143= (NM_001127617.2, NM_184041.5, NM_184043.2).
Identifiers: ClinVar variation 514382 (VCV000514382.4), dbSNP rs751360534, ClinGen allele CA280410190.

ClinVar aggregate classification (germline): Likely benign. Review status: criteria provided, multiple submitters, no conflicts (2 of 4 stars). 2 submissions from 2 submitters: Likely benign (2). Last evaluated 2024-10-24.

Conditions:
HNSHA due to aldolase A deficiency (GSD12). Also called: GLYCOGEN STORAGE DISEASE XII; GSD XII; Glycogen storage disease due to aldolase A deficiency; RED CELL ALDOLASE DEFICIENCY. Identifiers: Orphanet 57, MedGen C0272066, MONDO:0012747, OMIM 611881.

Allele frequency attached by ClinVar (database versions not stated): gnomAD 0.00003 and 0.00004; TOPMed 0.00006.
gnomAD v4.1: 5 of 1,614,140 alleles (0.00031%); highest among the groups gnomAD compares: Admixed American, 0.0067%; no homozygotes.

Submissions (2):

Labcorp Genetics (formerly Invitae), Labcorp
Classification: Likely benign for HNSHA due to aldolase A deficiency. Last evaluated: 2024-10-24. Review status: criteria provided, single submitter. Criteria: Invitae Variant Classification Sherloc (09022015). Collection method: clinical testing. Allele origin: germline.

GeneDx
Classification: Likely benign. Last evaluated: 2018-01-12. Review status: criteria provided, single submitter. Criteria: GeneDx Variant Classification (06012015). Collection method: clinical testing. Allele origin: germline. Affected: yes.
Comment: This variant is considered likely benign or benign based on one or more of the following criteria: it is a conservative change, it occurs at a poorly conserved position in the protein, it is predicted to be benign by multiple in silico algorithms, and/or has population frequency not consistent with disease.